The following is an entry in ClinVar:

ClinVar aggregate classification (germline): Uncertain significance. Review status: criteria provided, multiple submitters, no conflicts (2 of 4 stars). 3 submissions from 3 submitters: Uncertain significance (3). Last evaluated 2025-09-13.

Conditions:
Long QT syndrome (LQTS). Identifiers: MedGen C0023976, MeSH D008133, MONDO:0002442. Disease mechanism: loss of function. Inheritance: Various modes of inheritance.
Cardiac arrhythmia. Also called: Arrhythmia; Cardiac rhythm disease. Identifiers: MedGen C0003811, MONDO:0007263, HP:0011675.

Allele frequency attached by ClinVar (database versions not stated): 1000 Genomes Project 30x 0.00016; ExAC 0.00001; 1000 Genomes Project 0.00020.
gnomAD v4.1: 2 of 1,614,204 alleles (0.00012%); highest among the groups gnomAD compares: East Asian, 0.0045%; no homozygotes.

Submissions (3):

Labcorp Genetics (formerly Invitae), Labcorp
Classification: Uncertain significance for Long QT syndrome. Last evaluated: 2025-09-13. Review status: criteria provided, single submitter. Criteria: Invitae Variant Classification Sherloc (09022015). Collection method: clinical testing. Allele origin: germline.
Comment: This sequence change replaces isoleucine, which is neutral and non-polar, with leucine, which is neutral and non-polar, at codon 500 of the KCNQ1 protein (p.Ile500Leu). This variant is present in population databases (rs189794855, gnomAD 0.01%). This variant has not been reported in the literature in individuals affected with KCNQ1-related conditions. ClinVar contains an entry for this variant (Variation ID: 629752). Invitae Evidence Modeling of protein sequence and biophysical properties (such as structural, functional, and spatial information, amino acid conservation, physicochemical variation, residue mobility, and thermodynamic stability) indicates that this missense variant is not expected to disrupt KCNQ1 protein function with a negative predictive value of 95%. In summary, the available evidence is currently insufficient to determine the role of this variant in disease. Therefore, it has been classified as a Variant of Uncertain Significance.

Color Diagnostics, LLC DBA Color Health
Classification: Uncertain significance for Cardiac arrhythmia. Last evaluated: 2025-06-02. Review status: criteria provided, single submitter. Criteria: ACMG Guidelines, 2015. Collection method: clinical testing. Allele origin: germline.
Comment: This missense variant replaces isoleucine with leucine at codon 500 of the KCNQ1 protein. Computational prediction is inconclusive regarding the impact of this variant on protein structure and function. To our knowledge, functional studies have not been reported for this variant. This variant has not been reported in individuals affected with KCNQ1-related disorders in the literature. This variant has been identified in 2/251414 chromosomes in the general population by the Genome Aggregation Database (gnomAD). The available evidence is insufficient to determine the role of this variant in disease conclusively. Therefore, this variant is classified as a Variant of Uncertain Significance.

GeneDx
Classification: Uncertain significance. Last evaluated: 2024-09-12. Review status: criteria provided, single submitter. Criteria: GeneDx Variant Classification Process June 2021. Collection method: clinical testing. Allele origin: germline. Affected: yes.
Comment: Not observed at significant frequency in large population cohorts (gnomAD); In silico analysis indicates that this missense variant does not alter protein structure/function; Has not been previously published as pathogenic or benign to our knowledge

NM_000218.3(KCNQ1):c.1498A>C (p.Ile500Leu)

Genes: KCNQ1 (potassium voltage-gated channel subfamily Q member 1; plus strand), KCNQ1OT1 (KCNQ1 opposite strand/antisense transcript 1; minus strand). Cytogenetic location: 11p15.5.
Variant type: single nucleotide variant.
Coding change: c.1498A>C on transcript NM_000218.3 (MANE Select); coding-DNA position 1498, A replaced by C.
Protein change: p.Ile500Leu; replaces isoleucine 500 with leucine.
Molecular consequence: missense variant.
Genome position (GRCh38, 1-based): chr11:2,662,065, A>C. VCF-style: chr11-2662065-A-C. GRCh37 (hg19) VCF-style: chr11-2683295-A-C.
Other names: c.1402A>C, p.Ile468Leu (NM_001406836.1); c.1228A>C, p.Ile410Leu (NM_001406837.1); c.958A>C, p.Ile320Leu (NM_001406838.1); c.1117A>C, p.Ile373Leu (NM_181798.2); short protein forms I500L, I373L, I468L, I320L, I410L.
Identifiers: ClinVar variation 629752 (VCV000629752.11), dbSNP rs189794855, ClinGen allele CA030145.